The following is an entry in ClinVar:

NM_014252.4(SLC25A15):c.541G>C (p.Val181Leu)

Gene: SLC25A15 (solute carrier family 25 member 15; plus strand). Cytogenetic location: 13q14.11.
Variant type: single nucleotide variant.
Coding change: c.541G>C on transcript NM_014252.4 (MANE Select); coding-DNA position 541, G replaced by C.
Protein change: p.Val181Leu; replaces valine 181 with leucine.
Molecular consequence: missense variant.
Genome position (GRCh38, 1-based): chr13:40,807,382, G>C. VCF-style: chr13-40807382-G-C. GRCh37 (hg19) VCF-style: chr13-41381518-G-C.
Other names: short protein forms V181L.
Identifiers: ClinVar variation 2907101 (VCV002907101.1), dbSNP rs750171185, ClinGen allele CA387918323.

ClinVar aggregate classification (germline): Uncertain significance (1 of 4 stars; one submission).

Conditions:
Hyperornithinemia-hyperammonemia-homocitrullinuria syndrome (HHHS). Also called: Ornithine translocase deficiency; HHH SYNDROME. Identifiers: Orphanet 415, MedGen C0268540, MONDO:0009393, OMIM 238970.

gnomAD v4.1: 8 of 1,614,160 alleles (0.0005%); highest among the groups gnomAD compares: Non-Finnish European, 0.00059%; no homozygotes.

Submission:

Labcorp Genetics (formerly Invitae), Labcorp
Classification: Uncertain significance for Hyperornithinemia-hyperammonemia-homocitrullinuria syndrome. Last evaluated: 2023-09-12. Review status: criteria provided, single submitter. Criteria: Invitae Variant Classification Sherloc (09022015). Collection method: clinical testing. Allele origin: germline.
Comment: In summary, the available evidence is currently insufficient to determine the role of this variant in disease. Therefore, it has been classified as a Variant of Uncertain Significance. Advanced modeling of protein sequence and biophysical properties (such as structural, functional, and spatial information, amino acid conservation, physicochemical variation, residue mobility, and thermodynamic stability) has been performed at Invitae for this missense variant, however the output from this modeling did not meet the statistical confidence thresholds required to predict the impact of this variant on SLC25A15 protein function. This variant has not been reported in the literature in individuals affected with SLC25A15-related conditions. This variant is not present in population databases (gnomAD no frequency). This sequence change replaces valine, which is neutral and non-polar, with leucine, which is neutral and non-polar, at codon 181 of the SLC25A15 protein (p.Val181Leu).